The following is an entry in ClinVar:

NM_001846.4(COL4A2):c.783C>A (p.Ile261=)

Gene: COL4A2 (collagen type IV alpha 2 chain; plus strand). Cytogenetic location: 13q34.
Variant type: single nucleotide variant.
Coding change: c.783C>A on transcript NM_001846.4 (MANE Select); coding-DNA position 783, C replaced by A.
Protein change: p.Ile261=; no amino-acid change (isoleucine 261 retained).
Molecular consequence: synonymous variant.
Genome position (GRCh38, 1-based): chr13:110,436,325, C>A. VCF-style: chr13-110436325-C-A. GRCh37 (hg19) VCF-style: chr13-111088672-C-A.
Identifiers: ClinVar variation 311111 (VCV000311111.12), dbSNP rs369814411, ClinGen allele CA7049104.

ClinVar aggregate classification (germline): Likely benign. Review status: criteria provided, multiple submitters, no conflicts (2 of 4 stars). 2 submissions from 2 submitters: Likely benign (2). Last evaluated 2025-12-29.

Conditions:
Brain small vessel disease 2A, autosomal dominant. Also called: Porencephaly 2. Identifiers: Orphanet 2940, Orphanet 99810, MedGen C3280970, MONDO:0013773, OMIM 614483.

Allele frequency attached by ClinVar (database versions not stated): ESP Exome Variant Server 0.00008; TOPMed 0.00008; gnomAD 0.00010 and 0.00011.
gnomAD v4.1: 92 of 1,613,956 alleles (0.0057%); highest among the groups gnomAD compares: Non-Finnish European, 0.0076%; no homozygotes.

Submissions (2):

Labcorp Genetics (formerly Invitae), Labcorp
Classification: Likely benign. Last evaluated: 2025-12-29. Review status: criteria provided, single submitter. Criteria: Invitae Variant Classification Sherloc (09022015). Collection method: clinical testing. Allele origin: germline.

Illumina Laboratory Services, Illumina
Classification: Likely benign for Brain small vessel disease 2A, autosomal dominant. Last evaluated: 2018-01-12. Review status: criteria provided, single submitter. Criteria: ICSL Variant Classification Criteria 13 December 2019. Collection method: clinical testing. Allele origin: germline.
Comment: This variant was observed in the ICSL laboratory as part of a predisposition screen in an ostensibly healthy population. It had not been previously curated by ICSL or reported in the Human Gene Mutation Database (HGMD: prior to June 1st, 2018), and was therefore a candidate for classification through an automated scoring system. Utilizing variant allele frequency, disease prevalence and penetrance estimates, and inheritance mode, an automated score was calculated to assess if this variant is too frequent to cause the disease. Based on the score and internal cut-off values, a variant classified as likely benign is not then subjected to further curation. The score for this variant resulted in a classification of likely benign for this disease.